The following is an entry in ClinVar:

ClinVar aggregate classification (germline): Uncertain significance. Review status: criteria provided, multiple submitters, no conflicts (2 of 4 stars). 2 submissions from 2 submitters: Uncertain significance (2). Last evaluated 2024-10-02.

Conditions:
Cardiovascular phenotype. Identifiers: MedGen CN230736.
Hereditary cancer-predisposing syndrome. Also called: Neoplastic Syndromes, Hereditary; Tumor predisposition; Hereditary Cancer Syndrome; Hereditary neoplastic syndrome. Identifiers: Orphanet 140162, MedGen C0027672, MeSH D009386, MONDO:0015356.
Noonan syndrome 10 (NS10). Identifiers: Orphanet 648, MedGen C4225280, MONDO:0014693, OMIM 616564.

gnomAD v4.1: 1 of 1,598,378 alleles (0.000063%); no homozygotes.

Submissions (2):

St. Jude Molecular Pathology, St. Jude Children's Research Hospital
Classification: Uncertain significance for Noonan syndrome 10. Last evaluated: 2024-10-02. Review status: criteria provided, single submitter. Criteria: St. Jude Assertion Criteria 2020. Collection method: clinical testing. Allele origin: germline.
Comment: The LZTR1 c.808A>G (p.Thr270Ala) missense change is absent in gnomAD v2.1.1. The in silico tool REVEL predicts a benign effect on protein function, but this prediction has not been confirmed by functional studies. This variant has not been reported in individuals with Noonan syndrome or schwannomatosis. In summary, the evidence currently available is insufficient to determine the clinical significance of this variant. It has therefore been classified as of uncertain significance

Ambry Genetics
Classification: Uncertain significance for Cardiovascular phenotype; Hereditary cancer-predisposing syndrome. Last evaluated: 2024-08-05. Review status: criteria provided, single submitter. Criteria: Ambry Variant Classification Scheme 2023. Collection method: clinical testing. Allele origin: germline.
Comment: The p.T270A variant (also known as c.808A>G), located in coding exon 9 of the LZTR1 gene, results from an A to G substitution at nucleotide position 808. The threonine at codon 270 is replaced by alanine, an amino acid with similar properties. This amino acid position is highly conserved in available vertebrate species. In addition, this alteration is predicted to be tolerated by in silico analysis. Based on the available evidence, the clinical significance of this variant remains unclear.

NM_006767.4(LZTR1):c.808A>G (p.Thr270Ala)

Gene: LZTR1 (leucine zipper like post translational regulator 1; plus strand). Cytogenetic location: 22q11.21.
Variant type: single nucleotide variant.
Coding change: c.808A>G on transcript NM_006767.4 (MANE Select); coding-DNA position 808, A replaced by G.
Protein change: p.Thr270Ala; replaces threonine 270 with alanine.
Molecular consequence: missense variant.
Genome position (GRCh38, 1-based): chr22:20,991,644, A>G. VCF-style: chr22-20991644-A-G. GRCh37 (hg19) VCF-style: chr22-21345933-A-G.
Other names: short protein forms T270A.
Identifiers: ClinVar variation 1761926 (VCV001761926.4), dbSNP rs2518616941, ClinGen allele CA410781112.